The following is an entry in ClinVar:

ClinVar aggregate classification (germline): Uncertain significance (1 of 4 stars; one submission).

Submission:

Women's Health and Genetics/Laboratory Corporation of America, LabCorp
Classification: Uncertain significance. Last evaluated: 2022-04-26. Review status: criteria provided, single submitter. Criteria: LabCorp Variant Classification Summary - May 2015. Collection method: clinical testing. Allele origin: germline.
Comment: Variant summary: SOX4 c.1001C>G (p.Pro334Arg) results in a non-conservative amino acid change in the encoded protein sequence. Three of five in-silico tools predict a damaging effect of the variant on protein function. The variant was absent in 29336 control chromosomes (gnomAD). The available data on variant occurrences in the general population are insufficient to allow any conclusion about variant significance. To our knowledge, no occurrence of c.1001C>G in individuals affected with Coffin-Siris Syndrome 10 and no experimental evidence demonstrating its impact on protein function have been reported. No clinical diagnostic laboratories have submitted clinical-significance assessments for this variant to ClinVar after 2014. Based on the evidence outlined above, the variant was classified as uncertain significance.

NM_003107.3(SOX4):c.1001C>G (p.Pro334Arg)

Gene: SOX4 (SRY-box transcription factor 4; plus strand). Cytogenetic location: 6p22.3.
Variant type: single nucleotide variant.
Coding change: c.1001C>G on transcript NM_003107.3 (MANE Select); coding-DNA position 1001, C replaced by G.
Protein change: p.Pro334Arg; replaces proline 334 with arginine.
Molecular consequence: missense variant.
Genome position (GRCh38, 1-based): chr6:21,595,535, C>G. VCF-style: chr6-21595535-C-G. GRCh37 (hg19) VCF-style: chr6-21595766-C-G.
Other names: short protein forms P334R.
Identifiers: ClinVar variation 1683294 (VCV001683294.1), dbSNP rs905546274, ClinGen allele CA135864371.